The following is an entry in ClinVar:

NM_024120.5(NDUFAF5):c.232C>T (p.Arg78Trp)

Gene: NDUFAF5 (NADH:ubiquinone oxidoreductase complex assembly factor 5; plus strand). Cytogenetic location: 20p12.1.
Variant type: single nucleotide variant.
Coding change: c.232C>T on transcript NM_024120.5 (MANE Select); coding-DNA position 232, C replaced by T.
Protein change: p.Arg78Trp; replaces arginine 78 with tryptophan.
Molecular consequence: missense variant. On other transcripts: 5 prime UTR variant (3), non-coding transcript variant (7).
Genome position (GRCh38, 1-based): chr20:13,787,321, C>T. VCF-style: chr20-13787321-C-T. GRCh37 (hg19) VCF-style: chr20-13767967-C-T.
Other names: c.232C>T, p.Arg78Trp (NM_001039375.3, NM_001352408.2); c.-136C>T (NM_001352403.2); c.-350C>T (NM_001352406.2); c.-330C>T (NM_001352407.2); c.232C>T (NM_024120.4); short protein forms R78W.
Identifiers: ClinVar variation 991360 (VCV000991360.8), dbSNP rs761333847, ClinGen allele CA9767656.

ClinVar aggregate classification (germline): Uncertain significance. Review status: criteria provided, multiple submitters, no conflicts (2 of 4 stars). 6 submissions from 6 submitters: Uncertain significance (5). 1 of the submissions does not count toward it. Last evaluated 2025-11-20.

Conditions:
Inborn genetic diseases. Identifiers: MedGen C0950123, MeSH D030342.
Mitochondrial complex I deficiency, nuclear type 16. Also called: Mitochondrial complex 1 deficiency, nuclear type 16. Identifiers: MedGen C4748785, MONDO:0032621, OMIM 618238.
Leigh syndrome (NULS). Also called: LEIGH SYNDROME, NUCLEAR; Leigh's necrotizing encephalopathy; Leigh's disease; Leigh Syndrome (mtDNA deletion); Leigh Disease; Subacute necrotizing encephalopathy. Identifiers: Orphanet 506, MedGen C2931891, MONDO:0009723, OMIM 256000.

Allele frequency attached by ClinVar (database versions not stated): TOPMed 0.00003; ExAC 0.00006.
gnomAD v4.1: 51 of 1,613,918 alleles (0.0032%); highest among the groups gnomAD compares: Non-Finnish European, 0.0036%; no homozygotes.

Submissions (6):

Ambry Genetics
Classification: Uncertain significance for Inborn genetic diseases. Last evaluated: 2025-11-20. Review status: criteria provided, single submitter. Criteria: Ambry Variant Classification Scheme 2023. Collection method: clinical testing. Allele origin: germline.

Blueprint Genetics
Classification: Uncertain significance. Last evaluated: 2024-05-29. Review status: criteria provided, single submitter. Criteria: ACMG Guidelines, 2015. Collection method: clinical testing. Allele origin: germline.

Baylor Genetics
Classification: Uncertain significance for Mitochondrial complex I deficiency, nuclear type 16. Last evaluated: 2022-11-03. Review status: criteria provided, single submitter. Criteria: ACMG Guidelines, 2015. Collection method: clinical testing. Allele origin: unknown.

Labcorp Genetics (formerly Invitae), Labcorp
Classification: Uncertain significance. Last evaluated: 2022-08-15. Review status: criteria provided, single submitter. Criteria: Invitae Variant Classification Sherloc (09022015). Collection method: clinical testing. Allele origin: germline.
Comment: This sequence change replaces arginine, which is basic and polar, with tryptophan, which is neutral and slightly polar, at codon 78 of the NDUFAF5 protein (p.Arg78Trp). This variant is present in population databases (rs761333847, gnomAD 0.01%). This variant has not been reported in the literature in individuals affected with NDUFAF5-related conditions. ClinVar contains an entry for this variant (Variation ID: 991360). Algorithms developed to predict the effect of missense changes on protein structure and function are either unavailable or do not agree on the potential impact of this missense change (SIFT: "Deleterious"; PolyPhen-2: "Probably Damaging"; Align-GVGD: "Class C0"). In summary, the available evidence is currently insufficient to determine the role of this variant in disease. Therefore, it has been classified as a Variant of Uncertain Significance.

GeneDx
Classification: Uncertain significance. Last evaluated: 2022-05-10. Review status: criteria provided, single submitter. Criteria: GeneDx Variant Classification Process June 2021. Collection method: clinical testing. Allele origin: germline. Affected: yes.
Comment: Not observed at significant frequency in large population cohorts (gnomAD); In silico analysis supports that this missense variant has a deleterious effect on protein structure/function; Has not been previously published as pathogenic or benign to our knowledge

Natera, Inc.
Classification: Uncertain significance for Leigh syndrome. Last evaluated: 2020-08-28. Review status: no assertion criteria provided. Collection method: clinical testing. Allele origin: germline. Not counted in ClinVar's aggregate classification.